The following is an entry in ClinVar:

ClinVar aggregate classification (germline): Uncertain significance (1 of 4 stars; one submission).

Submission:

Labcorp Genetics (formerly Invitae), Labcorp
Classification: Uncertain significance. Last evaluated: 2023-12-23. Review status: criteria provided, single submitter. Criteria: Invitae Variant Classification Sherloc (09022015). Collection method: clinical testing. Allele origin: germline.
Comment: This sequence change replaces glutamic acid, which is acidic and polar, with aspartic acid, which is acidic and polar, at codon 154 of the MAD2L2 protein (p.Glu154Asp). This variant is not present in population databases (gnomAD no frequency). This variant has not been reported in the literature in individuals affected with MAD2L2-related conditions. An algorithm developed to predict the effect of missense changes on protein structure and function (PolyPhen-2) suggests that this variant is likely to be tolerated. In summary, the available evidence is currently insufficient to determine the role of this variant in disease. Therefore, it has been classified as a Variant of Uncertain Significance.

NM_006341.4(MAD2L2):c.462A>T (p.Glu154Asp)

Gene: MAD2L2 (mitotic arrest deficient 2 like 2; minus strand). Cytogenetic location: 1p36.22.
Variant type: single nucleotide variant.
Coding change: c.462A>T on transcript NM_006341.4 (MANE Select); coding-DNA position 462, A replaced by T.
Protein change: p.Glu154Asp; replaces glutamic acid 154 with aspartic acid.
Molecular consequence: missense variant.
Genome position (GRCh38, 1-based): chr1:11,675,697, T>A on the plus strand (A>T on the coding strand, the complement: MAD2L2 is on the minus strand). VCF-style: chr1-11675697-T-A. GRCh37 (hg19) VCF-style: chr1-11735754-T-A.
Other names: c.462A>T, p.Glu154Asp (NM_001127325.2); short protein forms E154D.
Identifiers: ClinVar variation 2705040 (VCV002705040.3), dbSNP rs2521911745, ClinGen allele CA338416152.